The following is an entry in ClinVar:

ClinVar aggregate classification (germline): Uncertain significance. Review status: criteria provided, multiple submitters, no conflicts (2 of 4 stars). 2 submissions from 2 submitters: Uncertain significance (2). Last evaluated 2026-06-22.

Conditions:
CHARGE syndrome (CHARGE). Also called: Hittner Hirsch Kreh syndrome; Coloboma, heart anomaly, choanal atresia, retardation, genital and ear anomalies; CHARGE association; Hall-Hittner syndrome; CHARGE ASSOCIATION--COLOBOMA, HEART ANOMALY, CHOANAL ATRESIA, RETARDATION, GENITAL AND EAR ANOMALIES. Identifiers: Orphanet 138, MedGen C0265354, MONDO:0008965.
Inborn genetic diseases. Identifiers: MedGen C0950123, MeSH D030342.

Allele frequency attached by ClinVar (database versions not stated): gnomAD exomes below 0.00001.
gnomAD v4.1: 2 of 1,613,686 alleles (0.00012%); highest among the groups gnomAD compares: East Asian, 0.0022%; no homozygotes.

Submissions (2):

Ambry Genetics
Classification: Uncertain significance for Inborn genetic diseases. Last evaluated: 2026-06-22. Review status: criteria provided, single submitter. Criteria: Ambry Variant Classification Scheme 2023. Collection method: clinical testing. Allele origin: germline.
Comment: The c.3005A>T (p.Q1002L) alteration is located in exon 12 (coding exon 11) of the CHD7 gene. This alteration results from a A to T substitution at nucleotide position 3005, causing the glutamine (Q) at amino acid position 1002 to be replaced by a leucine (L). Based on data from gnomAD, the T allele has an overall frequency of <0.001% (1/249056) total alleles studied. The highest observed frequency was 0.003% (1/34506) of Latino alleles. Based on insufficient or conflicting evidence, the clinical significance of this alteration remains unclear.

Labcorp Genetics (formerly Invitae), Labcorp
Classification: Uncertain significance for CHARGE syndrome. Last evaluated: 2020-11-11. Review status: criteria provided, single submitter. Criteria: Invitae Variant Classification Sherloc (09022015). Collection method: clinical testing. Allele origin: germline.
Comment: This sequence change replaces glutamine with leucine at codon 1002 of the CHD7 protein (p.Gln1002Leu). The glutamine residue is highly conserved and there is a moderate physicochemical difference between glutamine and leucine. This variant is not present in population databases (ExAC no frequency). This variant has not been reported in the literature in individuals with CHD7-related conditions. Advanced modeling of protein sequence and biophysical properties (such as structural, functional, and spatial information, amino acid conservation, physicochemical variation, residue mobility, and thermodynamic stability) performed at Invitae indicates that this missense variant is expected to disrupt CHD7 protein function. In summary, the available evidence is currently insufficient to determine the role of this variant in disease. Therefore, it has been classified as a Variant of Uncertain Significance.

NM_017780.4(CHD7):c.3005A>T (p.Gln1002Leu)

Gene: CHD7 (chromodomain helicase DNA binding protein 7; plus strand). Cytogenetic location: 8q12.2.
Variant type: single nucleotide variant.
Coding change: c.3005A>T on transcript NM_017780.4 (MANE Select); coding-DNA position 3005, A replaced by T.
Protein change: p.Gln1002Leu; replaces glutamine 1002 with leucine.
Molecular consequence: missense variant. On other transcripts: intron variant (1).
Genome position (GRCh38, 1-based): chr8:60,822,550, A>T. VCF-style: chr8-60822550-A-T. GRCh37 (hg19) VCF-style: chr8-61735109-A-T.
Other names: c.1717-39679A>T (NM_001316690.1); c.3005A>T (NM_017780.3); short protein forms Q1002L.
Identifiers: ClinVar variation 1002235 (VCV001002235.10), dbSNP rs1223377243, ClinGen allele CA371309189.